The following is an entry in ClinVar:

NM_001759.4(CCND2):c.*3991C>T

Gene: CCND2 (cyclin D2; plus strand). Cytogenetic location: 12p13.32.
Variant type: single nucleotide variant.
Coding change: c.*3991C>T on transcript NM_001759.4 (MANE Select); 3991 bases downstream of the stop codon, C replaced by T.
Molecular consequence: 3 prime UTR variant.
Genome position (GRCh38, 1-based): chr12:4,304,000, C>T. VCF-style: chr12-4304000-C-T. GRCh37 (hg19) VCF-style: chr12-4413166-C-T.
Identifiers: ClinVar variation 2642590 (VCV002642590.24), dbSNP rs148525558, ClinGen allele CA231750129.

ClinVar aggregate classification (germline): Likely benign (1 of 4 stars; one submission).

Allele frequency attached by ClinVar (database versions not stated): TOPMed 0.00097; 1000 Genomes Project 0.00100; 1000 Genomes Project 30x 0.00109; gnomAD exomes 0.00125.

Submission:

CeGaT Center for Human Genetics Tuebingen
Classification: Likely benign. Last evaluated: 2023-04-01. Review status: criteria provided, single submitter. Criteria: CeGaT Center For Human Genetics Tuebingen Variant Classification Criteria Version 2. Collection method: clinical testing. Allele origin: germline. Affected: yes. Observed: 2 variant alleles.
Comment: CCND2: BS1